The following is an entry in ClinVar:

NM_001042492.3(NF1):c.1185+1_1185+5del

Gene: NF1 (neurofibromin 1; plus strand). Cytogenetic location: 17q11.2.
Variant type: Deletion.
Coding change: c.1185+1_1185+5del on transcript NM_001042492.3 (MANE Select); the canonical splice donor site of the intron after coding-DNA position 1185 through 5 bases into the intron after coding-DNA position 1185, 5 bases deleted (GTGAG; older notation c.1185+1_1185+5delGTGAG).
Molecular consequence: splice donor variant.
Genome position (GRCh38, 1-based): chr17:31,201,160-31,201,164, GTGAG deleted; deleting any 5 consecutive bases within chr17:31,201,158-31,201,164 gives the same sequence; the c. name uses the placement nearest the transcript's 3' end. VCF-style (leftmost placement, unchanged base first): chr17-31201157-AAGGTG-A. GRCh37 (hg19) VCF-style: chr17-29528175-AAGGTG-A.
Other names: c.1185+1_1185+5del (NM_000267.4, NM_001128147.3).
Identifiers: ClinVar variation 1458411 (VCV001458411.8), dbSNP rs2143880646, ClinGen allele CA2573153569.

ClinVar aggregate classification (germline): Pathogenic (1 of 4 stars; one submission).

Conditions:
Neurofibromatosis, type 1 (NF1). Also called: Neurofibromatosis, type I; VON RECKLINGHAUSEN DISEASE; NEUROFIBROMATOSIS, TYPE I, SOMATIC; Peripheral type neurofibromatosis. Identifiers: Orphanet 636, MedGen C0027831, MONDO:0018975, OMIM 162200. Disease mechanism: loss of function.

Submission:

Labcorp Genetics (formerly Invitae), Labcorp
Classification: Pathogenic for Neurofibromatosis, type 1. Last evaluated: 2022-11-16. Review status: criteria provided, single submitter. Criteria: Invitae Variant Classification Sherloc (09022015). Collection method: clinical testing. Allele origin: germline.
Comment: For these reasons, this variant has been classified as Pathogenic. Studies have shown that disruption of this splice site results in skipping of 10, but is expected to preserve the integrity of the reading-frame (PMID: 10607834, 25788518). ClinVar contains an entry for this variant (Variation ID: 1458411). Disruption of this splice site has been observed in individuals with neurofibromatosis type 1 (PMID: 10607834, 16835897, 18546366, 26056819). This variant is not present in population databases (gnomAD no frequency). This sequence change affects a splice site in intron 10 of the NF1 gene. RNA analysis indicates that disruption of this splice site induces altered splicing and likely results in a shortened protein product.

Literature cited by the submitters: PubMed 10607834; PubMed 25788518; PubMed 16835897; PubMed 18546366; PubMed 26056819.